The following continues an entry in ClinVar:

NM_000059.4(BRCA2):c.5946del (p.Ser1982fs)

Gene: BRCA2. ClinVar aggregate classification (germline): Pathogenic. Pathogenic (1).

Submissions 18 to 32 of 88:

Ambry Genetics
Classification: Pathogenic for Hereditary cancer-predisposing syndrome. Last evaluated: 2025-02-24. Review status: criteria provided, single submitter. Criteria: Ambry Variant Classification Scheme 2023. Collection method: clinical testing. Allele origin: germline. Not counted in ClinVar's aggregate classification.
Comment: The c.5946delT (p.S1982Rfs*22) alteration, located in exon 11 (coding exon 10) of the BRCA2 gene, consists of a deletion of one nucleotide at position 5946, causing a translational frameshift with a predicted alternate stop codon after 22 amino acids. This alteration is expected to result in loss of function by premature protein truncation or nonsense-mediated mRNA decay. Based on data from gnomAD, this allele has an overall frequency of 0.028% (78/282088) total alleles studied. The highest observed frequency was 0.589% (61/10364) of Ashkenazi Jewish alleles. This variant is one of the well-described Ashkenazi Jewish founder mutations and has been reported in numerous families affected with breast, ovarian, prostate, pancreatic, and other HBOC-related cancers (Agalliu, 2009; Walsh, 2011; Johnston, 2012; Bayraktar, 2012; George, 2013; Lucas, 2013; Salo-Mullen, 2015; Susswein, 2016). This variant has also been reported in trans with a second variant in individuals affected with Fanconi anemia (Offit, 2003; Dewire, 2009). One study indicated that carriers of the c.5946delT mutation may have a lower relative risk for breast cancer when compared to carriers of other non-Ashkenazi Jewish BRCA2 mutations (Finkelman, 2012); however, other studies have reported the overall risk as similar to that of other pathogenic mutations in the ovarian cancer cluster region (OCCR) of coding exon 10 of BRCA2 (Kuchenbaecker, 2017). This variant is also designated as 6174delT in published literature. Based on the available evidence, this alteration is classified as pathogenic.

Blueprint Genetics
Classification: Pathogenic for BRCA2-related disorders. Last evaluated: 2024-11-11. Review status: criteria provided, single submitter. Criteria: ACMG Guidelines, 2015. Collection method: clinical testing. Allele origin: germline. Affected: yes. Observed: 5 variant alleles. Not counted in ClinVar's aggregate classification.

All of Us Research Program, National Institutes of Health
Classification: Pathogenic for BRCA2-related cancer predisposition. Last evaluated: 2024-09-25. Review status: criteria provided, single submitter. Criteria: ACMG Guidelines, 2015. Collection method: clinical testing. Allele origin: germline. Inheritance: Autosomal dominant inheritance. Observed: 98 variant alleles, 98 heterozygotes. Not counted in ClinVar's aggregate classification.
Comment: The c.5946del (p.Ser1982Argfs*22) variant has been detected in a multiple patients with breast and ovarian cancer [reported as c.6174del in PMID 8673091, 23633455, 22006311, 21324516, 22430266]. The variant was also detected in patients with prostate cancer [PMID 19188187, 20736950] and pancreatic ductal adenocarcinoma [PMID 23658460]. This variant is associated with a cancer risk of 50-43% and 18-20% risk for breast and ovarian cancer respectively by age 70 [PMID 9145676,15994883]. In vitro assays showed that this variant leads to a loss of function of the protein [PMID 15695382]. This variant has been reported in 32 non-Finnish Europeans from the ExAC database. This variant occurs at high frequency in the Ashkenazi Jewish population and is considered a founder mutation in this population. This variant is classified as pathogenic and considered medically actionable. [leduc, 2017-03-07] The c.5946del (p.Ser1982Argfs*22) variant has been detected in a multiple patients with breast and ovarian cancer [reported as c.6174del in PMID 8673091, 23633455, 22006311, 21324516, 22430266]. The variant was also detected in patients with prostate cancer [PMID 19188187, 20736950] and pancreatic ductal adenocarcinoma [PMID 23658460]. This variant is associated with a cancer risk of 50-43% and 18-20% risk for breast and ovarian cancer respectively by age 70 [PMID 9145676,15994883]. In vitro assays showed that this variant leads to a loss of function of the protein [PMID 15695382]. This variant has been reported in 32 non-Finnish Europeans from the ExAC database. This c.5946del (p.Ser1982Argfs*22) variant occurs at high frequency in the Ashkenazi Jewish population and is considered a founder mutation in this population. This variant is thus classified as pathogenic.

This study involves interpretation of variants in research participants for the purpose of population health screening. Participant phenotype was not available at the time of variant classification. Additional details can be found in publication PMID: 35346344, PMCID: PMC8962531

Revvity Omics, Revvity
Classification: Pathogenic. Last evaluated: 2024-08-22. Review status: criteria provided, single submitter. Criteria: ACMG Guidelines, 2015. Collection method: clinical testing. Allele origin: germline. Not counted in ClinVar's aggregate classification.

Department of Human Genetics, Hannover Medical School
Classification: Pathogenic for Breast-ovarian cancer, familial, susceptibility to, 2. Last evaluated: 2024-07-04. Review status: criteria provided, single submitter. Criteria: ACMG Guidelines, 2015. Collection method: clinical testing. Allele origin: germline. Inheritance: Autosomal dominant inheritance. Affected: yes. Not counted in ClinVar's aggregate classification.

Department of Clinical Genetics, Copenhagen University Hospital, Rigshospitalet
Classification: Pathogenic for Breast-ovarian cancer, familial, susceptibility to, 2. Last evaluated: 2024-05-27. Review status: criteria provided, single submitter. Criteria: ACMG Guidelines, 2015. Collection method: clinical testing. Allele origin: germline. Affected: yes. Not counted in ClinVar's aggregate classification.
Comment: PM3_Strong; PVS1; PM5_PTC_Strong

Fulgent Genetics
Classification: Pathogenic for Familial cancer of breast; Medulloblastoma; Familial prostate cancer; Wilms tumor 1; Fanconi anemia complementation group D1; Breast-ovarian cancer, familial, susceptibility to, 2; Glioma susceptibility 3; Pancreatic cancer, susceptibility to, 2. Last evaluated: 2024-05-21. Review status: criteria provided, single submitter. Criteria: ACMG Guidelines, 2015. Collection method: clinical testing. Allele origin: germline. Not counted in ClinVar's aggregate classification.

Institute of Human Genetics, University of Leipzig Medical Center
Classification: Pathogenic for Familial cancer of breast. Last evaluated: 2024-05-06. Review status: criteria provided, single submitter. Criteria: ACMG Guidelines, 2015. Collection method: clinical testing. Allele origin: unknown. Inheritance: Autosomal dominant inheritance. Affected: yes. Not counted in ClinVar's aggregate classification.
Comment: Criteria applied: PVS1,PM5_STR

Baylor Genetics
Classification: Pathogenic for Familial cancer of breast. Last evaluated: 2024-03-29. Review status: criteria provided, single submitter. Criteria: ACMG Guidelines, 2015. Collection method: clinical testing. Allele origin: unknown. Not counted in ClinVar's aggregate classification.

Mayo Clinic Laboratories, Mayo Clinic
Classification: Pathogenic. Last evaluated: 2024-03-26. Review status: criteria provided, single submitter. Criteria: ACMG Guidelines, 2015. Collection method: clinical testing. Allele origin: germline. Observed: 13 variant alleles. Not counted in ClinVar's aggregate classification.
Comment: PM3_strong, PM5_strong, PVS1

Human Genetics Bochum, Ruhr University Bochum
Classification: Pathogenic. Last evaluated: 2023-10-04. Review status: criteria provided, single submitter. Criteria: ACMG Guidelines, 2015. Collection method: clinical testing. Allele origin: germline. Affected: no. Not counted in ClinVar's aggregate classification.
Comment: ACMG criteria used to clasify this variant:PVS1, PS4

Baylor Genetics
Classification: Pathogenic for Breast-ovarian cancer, familial, susceptibility to, 2. Last evaluated: 2023-07-02. Review status: criteria provided, single submitter. Criteria: ACMG Guidelines, 2015. Collection method: clinical testing. Allele origin: unknown. Not counted in ClinVar's aggregate classification.

Laboratory for Molecular Medicine, Mass General Brigham Personalized Medicine
Classification: Pathogenic for Hereditary breast ovarian cancer syndrome. Last evaluated: 2023-06-07. Review status: criteria provided, single submitter. Criteria: ACMG Guidelines, 2015. Collection method: clinical testing. Allele origin: germline. Inheritance: Autosomal dominant inheritance. Not counted in ClinVar's aggregate classification.
Comment: The p.Ser1982ArgfsX22 variant in BRCA2 is a founder mutation in the Ashkenazi Jewish population (Finkelman 2012 PMID: 22430266) and has been identified in >500 individuals of various ethnicities with BRCA2-associated cancers (Breast Cancer Information Core (BIC) database). It has also been identified in 0.6% (20/3466) of Ashkenazi Jewish and 0.009% (6/68002) of European chromosomes by gnomAD (v.3.1.2). This variant is predicted to cause a frameshift, which alters the protein’s amino acid sequence beginning at position 1982 and leads to a premature termination codon 22 amino acids downstream. This alteration is then predicted to lead to a truncated or absent protein. Heterozygous loss of function BRCA2 is an established disease mechanism for hereditary breast and ovarian cancer (HBOC) syndrome. Additionally, this variant was classified as pathogenic on April 22, 2016 by the ClinGen-approved ENIGMA expert panel (ClinVar variation ID 9325). In summary, this variant meets criteria to be classified as pathogenic for autosomal dominant HBOC. ACMG/AMP Criteria applied: PVS1, PS4_Strong.

MGZ Medical Genetics Center
Classification: Pathogenic for Breast-ovarian cancer, familial, susceptibility to, 2. Last evaluated: 2022-08-02. Review status: criteria provided, single submitter. Criteria: ACMG Guidelines, 2015. Collection method: clinical testing. Allele origin: germline. Affected: yes. Observed: 2 variant alleles. Not counted in ClinVar's aggregate classification.
Comment: ACMG criteria applied: PVS1, PS4

Clinical Genetics Laboratory, Skane University Hospital Lund
Classification: Pathogenic. Last evaluated: 2022-05-27. Review status: criteria provided, single submitter. Criteria: ACMG Guidelines, 2015. Collection method: clinical testing. Allele origin: germline. Affected: yes. Not counted in ClinVar's aggregate classification.